The following is an entry in ClinVar:

ClinVar aggregate classification (germline): Uncertain significance (1 of 4 stars; one submission).

gnomAD v4.1: 10 of 1,614,056 alleles (0.00062%); highest among the groups gnomAD compares: Non-Finnish European, 0.00076%; no homozygotes.

Submission:

Labcorp Genetics (formerly Invitae), Labcorp
Classification: Uncertain significance. Last evaluated: 2024-03-21. Review status: criteria provided, single submitter. Criteria: Invitae Variant Classification Sherloc (09022015). Collection method: clinical testing. Allele origin: germline.
Comment: This sequence change replaces threonine, which is neutral and polar, with serine, which is neutral and polar, at codon 1446 of the A2ML1 protein (p.Thr1446Ser). This variant is not present in population databases (gnomAD no frequency). This variant has not been reported in the literature in individuals affected with A2ML1-related conditions. An algorithm developed to predict the effect of missense changes on protein structure and function (PolyPhen-2) suggests that this variant is likely to be tolerated. In summary, the available evidence is currently insufficient to determine the role of this variant in disease. Therefore, it has been classified as a Variant of Uncertain Significance.

NM_144670.6(A2ML1):c.4336A>T (p.Thr1446Ser)

Gene: A2ML1 (alpha-2-macroglobulin like 1; plus strand). Cytogenetic location: 12p13.31.
Variant type: single nucleotide variant.
Coding change: c.4336A>T on transcript NM_144670.6 (MANE Select); coding-DNA position 4336, A replaced by T.
Protein change: p.Thr1446Ser; replaces threonine 1446 with serine.
Molecular consequence: missense variant.
Genome position (GRCh38, 1-based): chr12:8,874,982, A>T. VCF-style: chr12-8874982-A-T. GRCh37 (hg19) VCF-style: chr12-9027578-A-T.
Other names: c.2863A>T, p.Thr955Ser (NM_001282424.3); short protein forms T1446S, T955S.
Identifiers: ClinVar variation 3668960 (VCV003668960.2).
Genomic context (GRCh38, chr12:8,874,982, plus strand): 5'-GAATATAGGAGGCCCTCAAAGTAATAATATGACTTATTTCATTTCACAGATGAACAGGCA[A>T]CAATTCAGTATTCTGATCCCTGTGAATGAGGTAAGTCCAGCGGAGAAATGGGTGGAGTTA-3'
Protein context (NP_653271.3, residues 1436-1454): YDYYLPDEQA[Thr1446Ser]IQYSDPCE